The following is an entry in ClinVar:

NM_000489.6(ATRX):c.2725C>T (p.Pro909Ser)

Gene: ATRX (ATRX chromatin remodeler; minus strand). Cytogenetic location: Xq21.1.
Variant type: single nucleotide variant.
Coding change: c.2725C>T on transcript NM_000489.6 (MANE Select); coding-DNA position 2725, C replaced by T.
Protein change: p.Pro909Ser; replaces proline 909 with serine.
Molecular consequence: missense variant.
Genome position (GRCh38, 1-based): chrX:77,682,531, G>A on the plus strand (C>T on the coding strand, the complement: ATRX is on the minus strand). VCF-style: chrX-77682531-G-A. GRCh37 (hg19) VCF-style: chrX-76938023-G-A.
Other names: c.2611C>T, p.Pro871Ser (NM_138270.5); short protein forms P871S, P909S.
Identifiers: ClinVar variation 1691046 (VCV001691046.2), dbSNP rs1438494550, ClinGen allele CA413710827.

ClinVar aggregate classification (germline): Uncertain significance (1 of 4 stars; one submission).

Submission:

Laboratorio de Genetica e Diagnostico Molecular, Hospital Israelita Albert Einstein
Classification: Uncertain significance. Last evaluated: 2019-06-13. Review status: criteria provided, single submitter. Criteria: ACMG Guidelines, 2015. Collection method: clinical testing. Allele origin: germline. Affected: yes.
Comment: ACMG classification criteria: PM2, BP4